The following is an entry in ClinVar:

ClinVar aggregate classification (germline): Uncertain significance (1 of 4 stars; one submission).

Submission:

Women's Health and Genetics/Laboratory Corporation of America, LabCorp
Classification: Uncertain significance. Last evaluated: 2025-07-25. Review status: criteria provided, single submitter. Criteria: LabCorp Variant Classification Summary - May 2015. Collection method: clinical testing. Allele origin: germline.
Comment: Variant summary: The variant involves the duplication of exons 1-5 in the VPS53 gene. A presumed nomenclature of c.(?_-131)_(372+1_373-1)dup has been designated for the purposes of this classification. The exact breakpoint at the 5' end of this variant is unknown, therefore this duplication may extend upstream of the annotated region of this gene. It is predicted to duplicate a segment including the initiation codon, therefore its impact on the encoded protein is unknown. The variant was absent in 21694 control chromosomes. The available data on variant occurrences in the general population are insufficient to allow any conclusion about variant significance. To our knowledge, no occurrence of c.(?_-131)_(372+1_373-1)dup in individuals affected with Pontocerebellar Hypoplasia, Type 2E and no experimental evidence demonstrating its impact on protein function have been reported. No submitters have cited clinical-significance assessments for this variant to ClinVar. Based on the evidence outlined above, the variant was classified as uncertain significance.

NC_000017.10:g.(559194_565048)_(618080_?)dup

Gene: VPS53 (VPS53 subunit of GARP complex; minus strand). Cytogenetic location: 17p13.3.
Variant type: Duplication.
Identifiers: ClinVar variation 4526200 (VCV004526200.1).